The following is an entry in ClinVar:

NM_001291867.2(NHS):c.1543G>A (p.Gly515Arg)

Gene: NHS (NHS actin remodeling regulator; plus strand). Cytogenetic location: Xp22.13.
Variant type: single nucleotide variant.
Coding change: c.1543G>A on transcript NM_001291867.2 (MANE Select); coding-DNA position 1543, G replaced by A.
Protein change: p.Gly515Arg; replaces glycine 515 with arginine.
Molecular consequence: missense variant.
Genome position (GRCh38, 1-based): chrX:17,725,649, G>A. VCF-style: chrX-17725649-G-A. GRCh37 (hg19) VCF-style: chrX-17743769-G-A.
Other names: c.1012G>A, p.Gly338Arg (NM_001136024.4); c.949G>A, p.Gly317Arg (NM_001291868.2); c.1480G>A, p.Gly494Arg (NM_198270.4); short protein forms G338R, G494R, G317R, G515R.
Identifiers: ClinVar variation 2184720 (VCV002184720.4), dbSNP rs2519934343, ClinGen allele CA412352107.

ClinVar aggregate classification (germline): Uncertain significance (1 of 4 stars; one submission).

Conditions:
Nance-Horan syndrome (NHS). Identifiers: Orphanet 627, MedGen C0796085, MONDO:0010545, OMIM 302350.

Submission:

Labcorp Genetics (formerly Invitae), Labcorp
Classification: Uncertain significance for Nance-Horan syndrome. Last evaluated: 2022-05-27. Review status: criteria provided, single submitter. Criteria: Invitae Variant Classification Sherloc (09022015). Collection method: clinical testing. Allele origin: germline.
Comment: In summary, the available evidence is currently insufficient to determine the role of this variant in disease. Therefore, it has been classified as a Variant of Uncertain Significance. Algorithms developed to predict the effect of missense changes on protein structure and function are either unavailable or do not agree on the potential impact of this missense change (SIFT: "Deleterious"; PolyPhen-2: "Possibly Damaging"; Align-GVGD: "Class C0"). This variant has not been reported in the literature in individuals affected with NHS-related conditions. This variant is not present in population databases (gnomAD no frequency). This sequence change replaces glycine, which is neutral and non-polar, with arginine, which is basic and polar, at codon 494 of the NHS protein (p.Gly494Arg).